The following is an entry in ClinVar:

ClinVar aggregate classification (germline): Pathogenic (1 of 4 stars; one submission).

Allele frequency attached by ClinVar (database versions not stated): gnomAD exomes below 0.00001; gnomAD 0.00001; TOPMed 0.00001.

Submission:

Labcorp Genetics (formerly Invitae), Labcorp
Classification: Pathogenic. Last evaluated: 2023-08-10. Review status: criteria provided, single submitter. Criteria: Invitae Variant Classification Sherloc (09022015). Collection method: clinical testing. Allele origin: germline.
Comment: This variant is present in population databases (no rsID available, gnomAD 0.0009%). For these reasons, this variant has been classified as Pathogenic. ClinVar contains an entry for this variant (Variation ID: 860895). This variant has not been reported in the literature in individuals affected with IMPDH1-related conditions. This sequence change creates a premature translational stop signal (p.Arg316*) in the IMPDH1 gene. It is expected to result in an absent or disrupted protein product. Loss-of-function variants in IMPDH1 are known to be pathogenic (PMID: 14981049, 33090715).

Literature cited by the submitters: PubMed 14981049; PubMed 33090715.

NM_000883.4(IMPDH1):c.946C>T (p.Arg316Ter)

Gene: IMPDH1 (inosine monophosphate dehydrogenase 1; minus strand). Cytogenetic location: 7q32.1.
Variant type: single nucleotide variant.
Coding change: c.946C>T on transcript NM_000883.4 (MANE Select); coding-DNA position 946, C replaced by T.
Protein change: p.Arg316Ter; replaces arginine 316 with a stop codon.
Molecular consequence: nonsense.
Genome position (GRCh38, 1-based): chr7:128,398,542, G>A on the plus strand (C>T on the coding strand, the complement: IMPDH1 is on the minus strand). VCF-style: chr7-128398542-G-A. GRCh37 (hg19) VCF-style: chr7-128038596-G-A.
Other names: c.916C>T, p.Arg306Ter (NM_001102605.2); c.691C>T, p.Arg231Ter (NM_001142573.2); c.676C>T, p.Arg226Ter (NM_001142574.2); c.616C>T, p.Arg206Ter (NM_001142575.2); c.847C>T, p.Arg283Ter (NM_001142576.2); c.739C>T, p.Arg247Ter (NM_001304521.2); c.838C>T, p.Arg280Ter (NM_183243.3); short protein forms R206*, R231*, R280*, R316*, R247*, R226*, R283*, R306*.
Identifiers: ClinVar variation 860895 (VCV000860895.7), dbSNP rs1282816133, ClinGen allele CA369169237.